The following is an entry in ClinVar:

ClinVar aggregate classification (germline): Uncertain significance. Review status: criteria provided, multiple submitters, no conflicts (2 of 4 stars). 2 submissions from 2 submitters: Uncertain significance (2). Last evaluated 2026-01-25.

Allele frequency attached by ClinVar (database versions not stated): gnomAD 0.00001; TOPMed 0.00002; gnomAD exomes 0.00004; ExAC 0.00005; ESP Exome Variant Server 0.00015.
gnomAD v4.1: 55 of 1,613,318 alleles (0.0034%); highest among the groups gnomAD compares: Non-Finnish European, 0.0036%; no homozygotes.

Submissions (2):

Labcorp Genetics (formerly Invitae), Labcorp
Classification: Uncertain significance. Last evaluated: 2026-01-25. Review status: criteria provided, single submitter. Criteria: Invitae Variant Classification Sherloc (09022015). Collection method: clinical testing. Allele origin: germline.
Comment: This sequence change replaces asparagine, which is neutral and polar, with serine, which is neutral and polar, at codon 1434 of the CARMIL2 protein (p.Asn1434Ser). This variant is present in population databases (rs373046499, gnomAD 0.03%). This variant has not been reported in the literature in individuals affected with CARMIL2-related conditions. ClinVar contains an entry for this variant (Variation ID: 1399511). An algorithm developed to predict the effect of missense changes on protein structure and function outputs the following: PolyPhen-2: "Not Available". The serine amino acid residue is found in multiple mammalian species, which suggests that this missense change does not adversely affect protein function. In summary, the available evidence is currently insufficient to determine the role of this variant in disease. Therefore, it has been classified as a Variant of Uncertain Significance.

CeGaT Center for Human Genetics Tuebingen
Classification: Uncertain significance. Last evaluated: 2023-08-01. Review status: criteria provided, single submitter. Criteria: CeGaT Center For Human Genetics Tuebingen Variant Classification Criteria Version 2. Collection method: clinical testing. Allele origin: germline. Affected: yes. Observed: 1 variant allele.
Comment: CARMIL2: PM2, BP4

NM_001013838.3(CARMIL2):c.4301A>G (p.Asn1434Ser)

Gene: CARMIL2 (capping protein regulator and myosin 1 linker 2; plus strand). Cytogenetic location: 16q22.1.
Variant type: single nucleotide variant.
Coding change: c.4301A>G on transcript NM_001013838.3 (MANE Select); coding-DNA position 4301, A replaced by G.
Protein change: p.Asn1434Ser; replaces asparagine 1434 with serine.
Molecular consequence: missense variant.
Genome position (GRCh38, 1-based): chr16:67,657,511, A>G. VCF-style: chr16-67657511-A-G. GRCh37 (hg19) VCF-style: chr16-67691414-A-G.
Other names: c.4112A>G, p.Asn1371Ser (NM_001317026.3); short protein forms N1371S, N1434S.
Identifiers: ClinVar variation 1399511 (VCV001399511.29), dbSNP rs373046499, ClinGen allele CA8114328.